The following is an entry in ClinVar:

NM_001111125.3(IQSEC2):c.968A>T (p.Tyr323Phe)

Gene: IQSEC2 (IQ motif and Sec7 domain ArfGEF 2; minus strand). Cytogenetic location: Xp11.22.
Variant type: single nucleotide variant.
Coding change: c.968A>T on transcript NM_001111125.3 (MANE Select); coding-DNA position 968, A replaced by T.
Protein change: p.Tyr323Phe; replaces tyrosine 323 with phenylalanine.
Molecular consequence: missense variant.
Genome position (GRCh38, 1-based): chrX:53,255,831, T>A on the plus strand (A>T on the coding strand, the complement: IQSEC2 is on the minus strand). VCF-style: chrX-53255831-T-A. GRCh37 (hg19) VCF-style: chrX-53285013-T-A.
Other names: c.968A>T, p.Tyr323Phe (NM_001410736.1); c.353A>T, p.Tyr118Phe (NM_015075.2); short protein forms Y118F, Y323F.
Identifiers: ClinVar variation 3252539 (VCV003252539.1), dbSNP rs2519849949.

ClinVar aggregate classification (germline): Uncertain significance (1 of 4 stars; one submission).

Submission:

GeneDx
Classification: Uncertain significance. Last evaluated: 2023-08-24. Review status: criteria provided, single submitter. Criteria: GeneDx Variant Classification Process June 2021. Collection method: clinical testing. Allele origin: germline. Affected: yes.
Comment: Not observed at significant frequency in large population cohorts (gnomAD); In silico analysis supports that this missense variant has a deleterious effect on protein structure/function; Has not been previously published as pathogenic or benign to our knowledge